The following is an entry in ClinVar:

ClinVar aggregate classification (somatic clinical impact): Tier I - Strong (1 of 4 stars; one submission).

Conditions:
Germinoma. Also called: Germinoma (disease). Identifiers: MedGen C0206660, MONDO:0002598, HP:0100620.

Submission:

Institute for Genomic Medicine (IGM) Clinical Laboratory, Nationwide Children's Hospital
Classification: Tier I - Strong for Germinoma. Assertion type: diagnostic. Clinical significance: supports diagnosis. Last evaluated: 2024-10-02. Review status: criteria provided, single submitter. Criteria: AMP/ASCO/CAP Guidelines, 2017. Collection method: clinical testing. Allele origin: somatic. Affected: yes.
Comment: Variant has Tier I (strong) clinical significance as a diagnostic inclusion criterion in germinoma, based on the following evidence: 1) Documented in one or more cancer databases (e.g., St. Jude Pecan, COSMIC, CIViC, OncoKB). 2) Appears in one or more well-established professional guidelines (e.g., World Health Organization [WHO]; National Comprehensive Cancer Network [NCCN]) as providing diagnostic, prognostic, or therapeutic information. 3) Information in the literature supports potential biologic effect of variant (PMID: 19865100). 4) Diagnostic for a specific tumor type/classification based on well-powered studies with expert-level consensus (Evidence Level B; PMIDs: 24452629, 24896186, 27391150).

Literature cited by the submitters: PubMed 19865100; PubMed 24452629; PubMed 24896186; PubMed 27391150.

NM_000222.3(KIT):c.1328G>A (p.Cys443Tyr)

Gene: KIT (KIT proto-oncogene, receptor tyrosine kinase; plus strand). Cytogenetic location: 4q12.
Variant type: single nucleotide variant.
Coding change: c.1328G>A on transcript NM_000222.3 (MANE Select); coding-DNA position 1328, G replaced by A.
Protein change: p.Cys443Tyr; replaces cysteine 443 with tyrosine.
Molecular consequence: missense variant.
Genome position (GRCh38, 1-based): chr4:54,723,680, G>A. VCF-style: chr4-54723680-G-A. GRCh37 (hg19) VCF-style: chr4-55589846-G-A.
Other names: c.1328G>A, p.Cys443Tyr (NM_001093772.2, NM_001385285.1, NM_001385286.1); c.1331G>A, p.Cys444Tyr (NM_001385284.1, NM_001385288.1, NM_001385290.1 and 1 more transcripts); short protein forms C443Y, C444Y.
Identifiers: ClinVar variation 4530492 (VCV004530492.1).
Genomic context (GRCh38, chr4:54,723,680, plus strand): 5'-ATGGCATGCTCCAATGTGTGGCAGCAGGATTCCCAGAGCCCACAATAGATTGGTATTTTT[G>A]TCCAGGAACTGAGCAGAGGTGAGATGATTATTTTTGGCACTGCTTATAATGCAGAGGGGA-3'
Protein context (NP_000213.1, residues 433-453): FPEPTIDWYF[Cys443Tyr]PGTEQRCSAS